The following is an entry in ClinVar:

NM_001267052.2(UNC45B):c.1959-80G>A

Gene: UNC45B (unc-45 myosin chaperone B; plus strand). Cytogenetic location: 17q12.
Variant type: single nucleotide variant.
Coding change: c.1959-80G>A on transcript NM_001267052.2 (MANE Select); 80 bases into the intron before coding-DNA position 1959, G replaced by A.
Molecular consequence: intron variant.
Genome position (GRCh38, 1-based): chr17:35,175,888, G>A. VCF-style: chr17-35175888-G-A. GRCh37 (hg19) VCF-style: chr17-33502907-G-A.
Other names: c.1959-80G>A (NM_001033576.2); c.1965-80G>A (NM_173167.3); c.1722-80G>A (NM_001308281.1).
Identifiers: ClinVar variation 1707238 (VCV001707238.2), dbSNP rs114893168, ClinGen allele CA289993235.

ClinVar aggregate classification (germline): Likely benign (1 of 4 stars; one submission).

Allele frequency attached by ClinVar (database versions not stated): gnomAD exomes 0.00051; 1000 Genomes Project 0.00319; 1000 Genomes Project 30x 0.00375; gnomAD 0.00563; TOPMed 0.00644.
gnomAD v4.1: 1,507 of 1,395,226 alleles (0.11%); highest among the groups gnomAD compares: African/African-American, 1.9%; 16 homozygotes.

Submission:

GeneDx
Classification: Likely benign. Last evaluated: 2021-05-26. Review status: criteria provided, single submitter. Criteria: GeneDx Variant Classification Process June 2021. Collection method: clinical testing. Allele origin: germline. Affected: yes.
Comment: See Variant Classification Assertion Criteria.